The following is an entry in ClinVar:

ClinVar aggregate classification (germline): Uncertain significance (1 of 4 stars; one submission).

Conditions:
Glycogen storage disease, type II (IOPD). Also called: Glucosidase acid-1,4-alpha deficiency; Pompe Disease; CARDIOMEGALIA GLYCOGENICA DIFFUSA; GLYCOGENOSIS, GENERALIZED, CARDIAC FORM; GSD II; Glycogen storage disease type 2. Identifiers: Orphanet 365, MedGen C0017921, MONDO:0009290, OMIM 232300.

Allele frequency attached by ClinVar (database versions not stated): gnomAD exomes below 0.00001.
gnomAD v4.1: 6 of 1,613,908 alleles (0.00037%); highest among the groups gnomAD compares: Non-Finnish European, 0.00051%; no homozygotes.

Submission:

Labcorp Genetics (formerly Invitae), Labcorp
Classification: Uncertain significance for Glycogen storage disease, type II. Last evaluated: 2024-11-16. Review status: criteria provided, single submitter. Criteria: Invitae Variant Classification Sherloc (09022015). Collection method: clinical testing. Allele origin: germline.
Comment: This sequence change replaces alanine, which is neutral and non-polar, with valine, which is neutral and non-polar, at codon 580 of the GAA protein (p.Ala580Val). This variant is not present in population databases (gnomAD no frequency). This variant has not been reported in the literature in individuals affected with GAA-related conditions. ClinVar contains an entry for this variant (Variation ID: 858893). Invitae Evidence Modeling of protein sequence and biophysical properties (such as structural, functional, and spatial information, amino acid conservation, physicochemical variation, residue mobility, and thermodynamic stability) indicates that this missense variant is expected to disrupt GAA protein function with a positive predictive value of 95%. In summary, the available evidence is currently insufficient to determine the role of this variant in disease. Therefore, it has been classified as a Variant of Uncertain Significance.

NM_000152.5(GAA):c.1739C>T (p.Ala580Val)

Gene: GAA (alpha glucosidase; plus strand). Cytogenetic location: 17q25.3.
Variant type: single nucleotide variant.
Coding change: c.1739C>T on transcript NM_000152.5 (MANE Select); coding-DNA position 1739, C replaced by T.
Protein change: p.Ala580Val; replaces alanine 580 with valine.
Molecular consequence: missense variant.
Genome position (GRCh38, 1-based): chr17:80,112,085, C>T. VCF-style: chr17-80112085-C-T. GRCh37 (hg19) VCF-style: chr17-78085884-C-T.
Other names: c.1739C>T, p.Ala580Val (NM_001079803.3, NM_001079804.3); short protein forms A580V.
Identifiers: ClinVar variation 858893 (VCV000858893.9), dbSNP rs909561836, ClinGen allele CA294895855.
Genomic context (GRCh38, chr17:80,112,085, plus strand): 5'-CCAGCCACCAGTTTCTCTCCACACACTACAACCTGCACAACCTCTACGGCCTGACCGAAG[C>T]CATCGCCTCCCACAGGTGAGGGCCACGTCCCGCCCCACTGGGCTCTGCCCTCACAGCCTG-3'
Protein context (NP_000143.2, residues 570-590): NLHNLYGLTE[Ala580Val]IASHRALVKA